The following is an entry in ClinVar:

NM_201253.3(CRB1):c.2154G>C (p.Gln718His)

Gene: CRB1 (crumbs cell polarity complex component 1; plus strand). Cytogenetic location: 1q31.3.
Variant type: single nucleotide variant.
Coding change: c.2154G>C on transcript NM_201253.3 (MANE Select); coding-DNA position 2154, G replaced by C.
Protein change: p.Gln718His; replaces glutamine 718 with histidine.
Molecular consequence: missense variant. On other transcripts: non-coding transcript variant (2), intron variant (1).
Genome position (GRCh38, 1-based): chr1:197,427,479, G>C. VCF-style: chr1-197427479-G-C. GRCh37 (hg19) VCF-style: chr1-197396609-G-C.
Other names: c.1818G>C, p.Gln606His (NM_001193640.2); c.1947G>C, p.Gln649His (NM_001257965.2); c.2128+5523G>C (NM_001257966.2); short protein forms Q649H, Q718H, Q606H.
Identifiers: ClinVar variation 4977914 (VCV004977914.1).
Genomic context (GRCh38, chr1:197,427,479, plus strand): 5'-TTTTTTTCTCCTCCTCCTCTATTTTGACATTGAAGAGTATGTGGCAGGCAGATTTGGCCA[G>C]GATGACTCCACTGGTTATGTCATCTTTACTCTTGATGAGAGCTATGGAGACACCATCAGC-3'
Protein context (NP_957705.1, residues 708-728): LREYVAGRFG[Gln718His]DDSTGYVIFT

ClinVar aggregate classification (germline): Uncertain significance (1 of 4 stars; one submission).

Conditions:
CRB1-related disorder. Also called: CRB1-related condition; CRB1-related disorders.

Submission:

PreventionGenetics, part of Exact Sciences
Classification: Uncertain significance for CRB1-related condition. Last evaluated: 2026-01-12. Review status: criteria provided, single submitter. Criteria: ACMG Guidelines, 2015. Collection method: clinical testing. Allele origin: germline.
Comment: The CRB1 c.2154G>C variant is predicted to result in the amino acid substitution p.Gln718His. To our knowledge, this variant has not been reported in the literature or in a large population database (gnomAD), indicating this variant is rare. At this time, the clinical significance of this variant is uncertain due to the absence of conclusive functional and genetic evidence.